The following is an entry in ClinVar:

NM_004655.4(AXIN2):c.2260G>T (p.Ala754Ser)

Gene: AXIN2 (axin 2; minus strand). Cytogenetic location: 17q24.1.
Variant type: single nucleotide variant.
Coding change: c.2260G>T on transcript NM_004655.4 (MANE Select); coding-DNA position 2260, G replaced by T.
Protein change: p.Ala754Ser; replaces alanine 754 with serine.
Molecular consequence: missense variant.
Genome position (GRCh38, 1-based): chr17:65,534,057, C>A on the plus strand (G>T on the coding strand, the complement: AXIN2 is on the minus strand). VCF-style: chr17-65534057-C-A. GRCh37 (hg19) VCF-style: chr17-63530175-C-A.
Other names: c.2065G>T, p.Ala689Ser (NM_001363813.1); short protein forms A689S, A754S.
Identifiers: ClinVar variation 1788633 (VCV001788633.2), dbSNP rs2144420206, ClinGen allele CA400675632.

ClinVar aggregate classification (germline): Uncertain significance (1 of 4 stars; one submission).

Conditions:
Hereditary cancer-predisposing syndrome. Also called: Hereditary Cancer Syndrome; Hereditary neoplastic syndrome; Tumor predisposition; Neoplastic Syndromes, Hereditary. Identifiers: Orphanet 140162, MedGen C0027672, MeSH D009386, MONDO:0015356.

Submission:

Ambry Genetics
Classification: Uncertain significance for Hereditary cancer-predisposing syndrome. Last evaluated: 2021-01-04. Review status: criteria provided, single submitter. Criteria: Ambry Variant Classification Scheme 2023. Collection method: clinical testing. Allele origin: germline.
Comment: The p.A754S variant (also known as c.2260G>T), located in coding exon 9 of the AXIN2 gene, results from a G to T substitution at nucleotide position 2260. The alanine at codon 754 is replaced by serine, an amino acid with similar properties. This amino acid position is well conserved in available vertebrate species. In addition, this alteration is predicted to be tolerated by in silico analysis. Since supporting evidence is limited at this time, the clinical significance of this alteration remains unclear.